The following is an entry in ClinVar:

ClinVar aggregate classification (germline): Likely benign. Review status: criteria provided, multiple submitters, no conflicts (2 of 4 stars). 4 submissions from 4 submitters: Likely benign (4). Last evaluated 2025-08-10.

Conditions:
Hereditary nonpolyposis colorectal neoplasms. Identifiers: MedGen C0009405, MeSH D003123.
Hereditary cancer-predisposing syndrome. Also called: Hereditary neoplastic syndrome; Hereditary Cancer Syndrome; Neoplastic Syndromes, Hereditary; Tumor predisposition. Identifiers: Orphanet 140162, MedGen C0027672, MeSH D009386, MONDO:0015356.
Lynch syndrome 4 (LYNCH4). Also called: Colorectal cancer, hereditary nonpolyposis, type 4; Hereditary non-polyposis colorectal cancer, type 4. Identifiers: Orphanet 144, MedGen C1838333, MONDO:0013699, OMIM 614337. Disease mechanism: loss of function.

Allele frequency attached by ClinVar (database versions not stated): TOPMed below 0.00001; gnomAD exomes 0.00001.
gnomAD v4.1: 9 of 1,511,580 alleles (0.0006%); highest among the groups gnomAD compares: Non-Finnish European, 0.00083%; no homozygotes.

Submissions (4):

Labcorp Genetics (formerly Invitae), Labcorp
Classification: Likely benign for Hereditary nonpolyposis colorectal neoplasms. Last evaluated: 2025-08-10. Review status: criteria provided, single submitter. Criteria: Invitae Variant Classification Sherloc (09022015). Collection method: clinical testing. Allele origin: germline.

Myriad Genetics, Inc.
Classification: Likely benign for Lynch syndrome 4. Last evaluated: 2025-01-28. Review status: criteria provided, single submitter. Criteria: Myriad Autosomal Dominant, Autosomal Recessive and X-Linked Classification Criteria (2023). Collection method: clinical testing. Allele origin: unknown.
Comment: This variant is considered likely benign. This variant is intronic and is not expected to impact mRNA splicing.

GeneDx
Classification: Likely benign. Last evaluated: 2017-07-06. Review status: criteria provided, single submitter. Criteria: GeneDx Variant Classification (06012015). Collection method: clinical testing. Allele origin: germline. Affected: yes.
Comment: This variant is considered likely benign or benign based on one or more of the following criteria: it is a conservative change, it occurs at a poorly conserved position in the protein, it is predicted to be benign by multiple in silico algorithms, and/or has population frequency not consistent with disease.

Color Diagnostics, LLC DBA Color Health
Classification: Likely benign for Hereditary cancer-predisposing syndrome. Last evaluated: 2017-03-16. Review status: criteria provided, single submitter. Criteria: ACMG Guidelines, 2015. Collection method: clinical testing. Allele origin: germline.

NM_000535.7(PMS2):c.804-20A>T

Gene: PMS2 (PMS1 homolog 2, mismatch repair system component; minus strand). Cytogenetic location: 7p22.1.
Variant type: single nucleotide variant.
Coding change: c.804-20A>T on transcript NM_000535.7 (MANE Select); 20 bases into the intron before coding-DNA position 804, A replaced by T.
Molecular consequence: intron variant.
Genome position (GRCh38, 1-based): chr7:5,995,653, T>A on the plus strand (A>T on the coding strand, the complement: PMS2 is on the minus strand). VCF-style: chr7-5995653-T-A. GRCh37 (hg19) VCF-style: chr7-6035284-T-A.
Other names: c.486-20A>T (NM_001322008.2, NM_001322007.2); c.399-20A>T (NM_001322010.2, NM_001322004.2, NM_001322003.2 and 2 more transcripts); c.231-20A>T (NM_001322013.2); c.-130-20A>T (NM_001322012.2, NM_001322011.2); c.495-20A>T (NM_001322015.2); c.804-20A>T (NM_001322006.2, NM_001322014.2).
Identifiers: ClinVar variation 378384 (VCV000378384.12), dbSNP rs1057520346, ClinGen allele CA16605845.